The following is an entry in ClinVar:

NM_000784.4(CYP27A1):c.366= (p.Gly122=)

Gene: CYP27A1 (cytochrome P450 family 27 subfamily A member 1; plus strand). Cytogenetic location: 2q35.
Variant type: single nucleotide variant.
Coding change: c.366= on transcript NM_000784.4 (MANE Select); coding-DNA position 366, no change from the reference sequence.
Protein change: p.Gly122=; no amino-acid change (glycine 122 retained).
Molecular consequence: no sequence alteration.
Genome position: GRCh38 VCF-style: chr2-218809687-C-C. GRCh37 (hg19) VCF-style: chr2-219674410-C-C.
Other names: c.366A>C.
Identifiers: ClinVar variation 65863 (VCV000065863.3), dbSNP rs1051087.

ClinVar aggregate classification (germline): Benign (0 of 4 stars; one submission).

Conditions:
Cholestanol storage disease (CTX). Also called: CEREBRAL CHOLESTERINOSIS; Cerebrotendinous Xanthomatosis; CTX: Cerebrotendinous xanthomatosis. Identifiers: Orphanet 909, MedGen C0238052, MONDO:0008948, OMIM 213700.

Submission:

GeneReviews
Classification: Benign for Cerebrotendinous Xanthomatosis. Last evaluated: 2013-08-01. Review status: no assertion criteria provided. Collection method: curation. Allele origin: unknown.
ClinVar note: Converted during submission from non-pathogenic to Benign.